The following is an entry in ClinVar:

NM_001430.5(EPAS1):c.2530T>C (p.Cys844Arg)

Gene: EPAS1 (endothelial PAS domain protein 1; plus strand). Cytogenetic location: 2p21.
Variant type: single nucleotide variant.
Coding change: c.2530T>C on transcript NM_001430.5 (MANE Select); coding-DNA position 2530, T replaced by C.
Protein change: p.Cys844Arg; replaces cysteine 844 with arginine.
Molecular consequence: missense variant.
Genome position (GRCh38, 1-based): chr2:46,384,577, T>C. VCF-style: chr2-46384577-T-C. GRCh37 (hg19) VCF-style: chr2-46611716-T-C.
Other names: short protein forms C844R.
Identifiers: ClinVar variation 3360706 (VCV003360706.1).

ClinVar aggregate classification (germline): Uncertain significance (1 of 4 stars; one submission).

gnomAD v4.1: 1 of 1,614,062 alleles (0.000062%); highest among the groups gnomAD compares: Non-Finnish European, 0.000085%; no homozygotes.

Submission:

GeneDx
Classification: Uncertain significance. Last evaluated: 2023-07-05. Review status: criteria provided, single submitter. Criteria: GeneDx Variant Classification Process June 2021. Collection method: clinical testing. Allele origin: germline. Affected: yes.
Comment: Not observed at significant frequency in large population cohorts (gnomAD); In silico analysis supports that this missense variant has a deleterious effect on protein structure/function; Has not been previously published as pathogenic or benign to our knowledge